The following is an entry in ClinVar:

ClinVar aggregate classification (germline): Benign/Likely benign. Review status: criteria provided, multiple submitters, no conflicts (2 of 4 stars). 5 submissions from 5 submitters: Benign (1); Likely benign (2). 2 of the submissions do not count toward it. Last evaluated 2026-03-01.

Conditions:
Occult macular dystrophy (OCMD). Also called: OMD; OCCULT MACULAR DYSTROPHY, SUSCEPTIBILITY TO. Identifiers: Orphanet 247834, MedGen C3150833, MONDO:0013316, OMIM 613587, HP:0030636.

Allele frequency attached by ClinVar (database versions not stated): ESP Exome Variant Server 0.00316; 1000 Genomes Project 0.00319; TOPMed 0.00336; ExAC 0.00362; gnomAD 0.00382 and 0.00385; 1000 Genomes Project 30x 0.00390; gnomAD exomes 0.00396.

Submissions (5):

CeGaT Center for Human Genetics Tuebingen
Classification: Likely benign. Last evaluated: 2026-03-01. Review status: criteria provided, single submitter. Criteria: CeGaT Center For Human Genetics Tuebingen Variant Classification Criteria Version 2. Collection method: clinical testing. Allele origin: germline. Affected: yes. Observed: 5 variant alleles.
Comment: RP1L1: BP4, BP7, BS2

Blueprint Genetics
Classification: Likely benign. Last evaluated: 2024-11-21. Review status: criteria provided, single submitter. Criteria: ACMG Guidelines, 2015. Collection method: clinical testing. Allele origin: germline.

Illumina Laboratory Services, Illumina
Classification: Benign for Occult macular dystrophy. Last evaluated: 2018-01-12. Review status: criteria provided, single submitter. Criteria: ICSL Variant Classification Criteria 13 December 2019. Collection method: clinical testing. Allele origin: germline.
Comment: This variant was observed in the ICSL laboratory as part of a predisposition screen in an ostensibly healthy population. It had not been previously curated by ICSL or reported in the Human Gene Mutation Database (HGMD: prior to June 1st, 2018), and was therefore a candidate for classification through an automated scoring system. Utilizing variant allele frequency, disease prevalence and penetrance estimates, and inheritance mode, an automated score was calculated to assess if this variant is too frequent to cause the disease. Based on the score and internal cut-off values, a variant classified as benign is not then subjected to further curation. The score for this variant resulted in a classification of benign for this disease.

Clinical Genetics DNA and cytogenetics Diagnostics Lab, Erasmus MC, Erasmus Medical Center
Classification: Likely benign. Review status: no assertion criteria provided. Collection method: clinical testing. Allele origin: germline. Affected: yes. Study: VKGL Data-share Consensus. Not counted in ClinVar's aggregate classification.

Clinical Genetics, Academic Medical Center
Classification: Benign. Review status: no assertion criteria provided. Collection method: clinical testing. Allele origin: germline. Affected: yes. Study: VKGL Data-share Consensus. Not counted in ClinVar's aggregate classification.

NM_178857.6(RP1L1):c.5421C>G (p.Gly1807=)

Gene: RP1L1 (RP1 like 1). Cytogenetic location: 8p23.1.
Variant type: single nucleotide variant.
Coding change: c.5421C>G on transcript NM_178857.6 (MANE Select); coding-DNA position 5421, C replaced by G.
Protein change: p.Gly1807=; no amino-acid change (glycine 1807 retained).
Molecular consequence: synonymous variant.
Genome position (GRCh38, 1-based): chr8:10,608,677, G>C on the plus strand (C>G on the coding strand, the complement: RP1L1 is on the minus strand). VCF-style: chr8-10608677-G-C. GRCh37 (hg19) VCF-style: chr8-10466187-G-C.
Identifiers: ClinVar variation 361253 (VCV000361253.42), dbSNP rs77593247, ClinGen allele CA4623655.